The following is an entry in ClinVar:

NM_003482.4(KMT2D):c.8507G>A (p.Arg2836His)

Gene: KMT2D (lysine methyltransferase 2D; minus strand). Cytogenetic location: 12q13.12.
Variant type: single nucleotide variant.
Coding change: c.8507G>A on transcript NM_003482.4 (MANE Select); coding-DNA position 8507, G replaced by A.
Protein change: p.Arg2836His; replaces arginine 2836 with histidine.
Molecular consequence: missense variant.
Genome position (GRCh38, 1-based): chr12:49,038,849, C>T on the plus strand (G>A on the coding strand, the complement: KMT2D is on the minus strand). VCF-style: chr12-49038849-C-T. GRCh37 (hg19) VCF-style: chr12-49432632-C-T.
Other names: short protein forms R2836H.
Identifiers: ClinVar variation 444289 (VCV000444289.47), dbSNP rs886202729, ClinGen allele CA236645751.

ClinVar aggregate classification (germline): Uncertain significance. Review status: criteria provided, multiple submitters, no conflicts (2 of 4 stars). 2 submissions from 2 submitters: Uncertain significance (2). Last evaluated 2024-10-21.

Conditions:
Kabuki syndrome. Also called: Kabuki make-up syndrome; NIIKAWA-KUROKI SYNDROME. Identifiers: Orphanet 2322, MedGen C0796004, MONDO:0016512.

Allele frequency attached by ClinVar (database versions not stated): TOPMed 0.00001; gnomAD 0.00003 and 0.00004.
gnomAD v4.1: 16 of 1,553,838 alleles (0.001%); highest among the groups gnomAD compares: African/African-American, 0.0055%; no homozygotes.

Submissions (2):

Labcorp Genetics (formerly Invitae), Labcorp
Classification: Uncertain significance for Kabuki syndrome. Last evaluated: 2024-10-21. Review status: criteria provided, single submitter. Criteria: Invitae Variant Classification Sherloc (09022015). Collection method: clinical testing. Allele origin: germline.
Comment: This sequence change replaces arginine, which is basic and polar, with histidine, which is basic and polar, at codon 2836 of the KMT2D protein (p.Arg2836His). This variant is present in population databases (no rsID available, gnomAD 0.01%). This variant has not been reported in the literature in individuals affected with KMT2D-related conditions. ClinVar contains an entry for this variant (Variation ID: 444289). Invitae Evidence Modeling of protein sequence and biophysical properties (such as structural, functional, and spatial information, amino acid conservation, physicochemical variation, residue mobility, and thermodynamic stability) indicates that this missense variant is not expected to disrupt KMT2D protein function with a negative predictive value of 95%. In summary, the available evidence is currently insufficient to determine the role of this variant in disease. Therefore, it has been classified as a Variant of Uncertain Significance.

CeGaT Center for Human Genetics Tuebingen
Classification: Uncertain significance. Last evaluated: 2017-03-01. Review status: criteria provided, single submitter. Criteria: CeGaT Center For Human Genetics Tuebingen Variant Classification Criteria Version 2. Collection method: clinical testing. Allele origin: germline. Affected: yes. Observed: 1 variant allele.